The following is an entry in ClinVar:

NM_001903.5(CTNNA1):c.1293T>A (p.Ile431=)

Gene: CTNNA1 (catenin alpha 1; plus strand). Cytogenetic location: 5q31.2.
Variant type: single nucleotide variant.
Coding change: c.1293T>A on transcript NM_001903.5 (MANE Select); coding-DNA position 1293, T replaced by A.
Protein change: p.Ile431=; no amino-acid change (isoleucine 431 retained).
Molecular consequence: synonymous variant. On other transcripts: 5 prime UTR variant (5), intron variant (2).
Genome position (GRCh38, 1-based): chr5:138,887,639, T>A. VCF-style: chr5-138887639-T-A. GRCh37 (hg19) VCF-style: chr5-138223328-T-A.
Other names: c.1293T>A, p.Ile431= (NM_001290307.3, NM_001323982.2, NM_001323983.1 and 3 more transcripts); c.984T>A, p.Ile328= (NM_001290309.3); c.924T>A, p.Ile308= (NM_001290310.3); c.183T>A, p.Ile61= (NM_001290312.1, NM_001323987.1, NM_001323988.1 and 18 more transcripts); c.-215T>A (NM_001324006.1, NM_001324007.1, NM_001324008.1 and 1 more transcripts); c.-90T>A (NM_001324013.1); c.-58+12042T>A (NM_001324012.1); c.-61+12042T>A (NM_001324010.1).
Identifiers: ClinVar variation 706282 (VCV000706282.14), dbSNP rs755215402, ClinGen allele CA3431893.

ClinVar aggregate classification (germline): Benign/Likely benign. Review status: criteria provided, multiple submitters, no conflicts (2 of 4 stars). 3 submissions from 3 submitters: Benign (1); Likely benign (2). Last evaluated 2025-11-25.

Conditions:
Hereditary cancer-predisposing syndrome. Also called: Tumor predisposition; Hereditary neoplastic syndrome; Neoplastic Syndromes, Hereditary; Hereditary Cancer Syndrome. Identifiers: Orphanet 140162, MedGen C0027672, MeSH D009386, MONDO:0015356.
Hereditary diffuse gastric adenocarcinoma (HDGC). Also called: DIFFUSE GASTRIC AND LOBULAR BREAST CANCER SYNDROME. Identifiers: Orphanet 26106, MedGen C1708349, MONDO:0007648, OMIM 137215.

Allele frequency attached by ClinVar (database versions not stated): ExAC 0.00001; gnomAD 0.00001; gnomAD exomes 0.00001; TOPMed 0.00001.
gnomAD v4.1: 5 of 1,606,648 alleles (0.00031%); highest among the groups gnomAD compares: Admixed American, 0.0069%; no homozygotes.

Submissions (3):

Labcorp Genetics (formerly Invitae), Labcorp
Classification: Likely benign. Last evaluated: 2025-11-25. Review status: criteria provided, single submitter. Criteria: Invitae Variant Classification Sherloc (09022015). Collection method: clinical testing. Allele origin: germline.

Myriad Genetics, Inc.
Classification: Benign for Hereditary diffuse gastric adenocarcinoma. Last evaluated: 2024-10-11. Review status: criteria provided, single submitter. Criteria: Myriad Autosomal Dominant, Autosomal Recessive and X-Linked Classification Criteria (2023). Collection method: clinical testing. Allele origin: unknown.
Comment: This variant is considered benign. This variant is a silent/synonymous amino acid change and it is not expected to impact splicing.

Ambry Genetics
Classification: Likely benign for Hereditary cancer-predisposing syndrome. Last evaluated: 2020-02-05. Review status: criteria provided, single submitter. Criteria: Ambry Variant Classification Scheme 2023. Collection method: clinical testing. Allele origin: germline.